The following is an entry in ClinVar:

ClinVar aggregate classification (germline): Uncertain significance (1 of 4 stars; one submission).

Conditions:
Hypertrophic cardiomyopathy. Also called: HYPERTROPHIC MYOCARDIOPATHY. Identifiers: Orphanet 217569, MedGen C0007194, MeSH D002312, MONDO:0005045, HP:0001639.

Submission:

Labcorp Genetics (formerly Invitae), Labcorp
Classification: Uncertain significance for Hypertrophic cardiomyopathy. Last evaluated: 2022-08-09. Review status: criteria provided, single submitter. Criteria: Invitae Variant Classification Sherloc (09022015). Collection method: clinical testing. Allele origin: germline.
Comment: In summary, the available evidence is currently insufficient to determine the role of this variant in disease. Therefore, it has been classified as a Variant of Uncertain Significance. Algorithms developed to predict the effect of missense changes on protein structure and function are either unavailable or do not agree on the potential impact of this missense change (SIFT: "Deleterious"; PolyPhen-2: "Probably Damaging"; Align-GVGD: "Class C0"). This variant has not been reported in the literature in individuals affected with MYH7-related conditions. This variant is not present in population databases (gnomAD no frequency). This sequence change replaces asparagine, which is neutral and polar, with histidine, which is basic and polar, at codon 80 of the MYH7 protein (p.Asn80His).

NM_000257.4(MYH7):c.238A>C (p.Asn80His)

Gene: MYH7 (myosin heavy chain 7; minus strand). Cytogenetic location: 14q11.2.
Variant type: single nucleotide variant.
Coding change: c.238A>C on transcript NM_000257.4 (MANE Select); coding-DNA position 238, A replaced by C.
Protein change: p.Asn80His; replaces asparagine 80 with histidine.
Molecular consequence: missense variant.
Genome position (GRCh38, 1-based): chr14:23,433,191, T>G on the plus strand (A>C on the coding strand, the complement: MYH7 is on the minus strand). VCF-style: chr14-23433191-T-G. GRCh37 (hg19) VCF-style: chr14-23902400-T-G.
Other names: c.238A>C, p.Asn80His (NM_001407004.1); short protein forms N80H.
Identifiers: ClinVar variation 2059685 (VCV002059685.4), dbSNP rs2502320327, ClinGen allele CA389053400.